The following is an entry in ClinVar:

NM_001363711.2(DUOX2):c.1131+17G>T

Gene: DUOX2 (dual oxidase 2; minus strand). Cytogenetic location: 15q21.1.
Variant type: single nucleotide variant.
Coding change: c.1131+17G>T on transcript NM_001363711.2 (MANE Select); 17 bases into the intron after coding-DNA position 1131, G replaced by T.
Molecular consequence: intron variant.
Genome position (GRCh38, 1-based): chr15:45,109,873, C>A on the plus strand (G>T on the coding strand, the complement: DUOX2 is on the minus strand). VCF-style: chr15-45109873-C-A. GRCh37 (hg19) VCF-style: chr15-45402071-C-A.
Other names: c.1131+17G>T (NM_014080.5).
Identifiers: ClinVar variation 4695552 (VCV004695552.1).
Genomic context (GRCh38, chr15:45,109,873, plus strand): 5'-GGGATTGTTGCTTTTCCCAGCCTGTGTGAAGAGACTGACCTTGACCCATCTTCCCCTGAC[C>A]CTGACCCCAGTCTGACCTCCCGAATCCAGTAGTTGTTGCAGACCCTGAGAGCTTGGGAGC-3'

ClinVar aggregate classification (germline): Uncertain significance (1 of 4 stars; one submission).

gnomAD v4.1: 2 of 1,613,406 alleles (0.00012%); highest among the groups gnomAD compares: Admixed American, 0.0017%; no homozygotes.

Submission:

Labcorp Genetics (formerly Invitae), Labcorp
Classification: Uncertain significance. Last evaluated: 2025-03-31. Review status: criteria provided, single submitter. Criteria: Invitae Variant Classification Sherloc (09022015). Collection method: clinical testing. Allele origin: germline.
Comment: This sequence change falls in intron 10 of the DUOX2 gene. It does not directly change the encoded amino acid sequence of the DUOX2 protein. This variant is not present in population databases (gnomAD no frequency). This variant has not been reported in the literature in individuals affected with DUOX2-related conditions. Algorithms developed to predict the effect of sequence changes on RNA splicing suggest that this variant may disrupt the consensus splice site. In summary, the available evidence is currently insufficient to determine the role of this variant in disease. Therefore, it has been classified as a Variant of Uncertain Significance.